The following is an entry in ClinVar:

ClinVar aggregate classification (germline): Pathogenic. Review status: criteria provided, multiple submitters, no conflicts (2 of 4 stars). 8 submissions from 8 submitters: Pathogenic (8). Last evaluated 2025-07-14.

Conditions:
ANK1-related disorder. Also called: ANK1-related condition.
Hereditary spherocytosis type 1. Also called: Spherocytosis type 1; ANK1-Related Spherocytosis. Identifiers: Orphanet 822, MedGen C2674218, MONDO:0008447, OMIM 182900.

Allele frequency attached by ClinVar (database versions not stated): gnomAD exomes below 0.00001; TOPMed below 0.00001; gnomAD 0.00001.
gnomAD v4.1: 2 of 1,613,750 alleles (0.00012%); highest among the groups gnomAD compares: Non-Finnish European, 0.00017%; no homozygotes.

Submissions (8):

PreventionGenetics, part of Exact Sciences
Classification: Pathogenic for ANK1-related condition. Last evaluated: 2025-07-14. Review status: criteria provided, single submitter. Criteria: ACMG Guidelines, 2015. Collection method: clinical testing. Allele origin: germline.
Comment: The ANK1 c.4462C>T variant is predicted to result in premature protein termination (p.Arg1488*). This variant has been reported in multiple unrelated individuals with autosomal dominant hereditary spherocytosis (Ozcan et al 2003. PubMed ID: 12899723; Lin PC et al 2018. PubMed ID: 30317022; Mansour-Hendili L et al 2020. PubMed ID: 32641076). This variant has not been reported in a large population database (gnomAD), indicating this variant is rare. Nonsense variants in ANK1 are expected to be pathogenic. This variant is interpreted as pathogenic.

Labcorp Genetics (formerly Invitae), Labcorp
Classification: Pathogenic. Last evaluated: 2025-01-19. Review status: criteria provided, single submitter. Criteria: Invitae Variant Classification Sherloc (09022015). Collection method: clinical testing. Allele origin: germline.
Comment: This sequence change creates a premature translational stop signal (p.Arg1488*) in the ANK1 gene. It is expected to result in an absent or disrupted protein product. Loss-of-function variants in ANK1 are known to be pathogenic (PMID: 8640229). This variant is not present in population databases (gnomAD no frequency). This premature translational stop signal has been observed in individual(s) with autosomal dominant spherocytosis (PMID: 12899723). ClinVar contains an entry for this variant (Variation ID: 544802). For these reasons, this variant has been classified as Pathogenic.

Revvity Omics, Revvity
Classification: Pathogenic for Hereditary spherocytosis type 1. Last evaluated: 2023-12-21. Review status: criteria provided, single submitter. Criteria: ACMG Guidelines, 2015. Collection method: clinical testing. Allele origin: germline.

GeneDx
Classification: Pathogenic. Last evaluated: 2023-12-19. Review status: criteria provided, single submitter. Criteria: GeneDx Variant Classification Process June 2021. Collection method: clinical testing. Allele origin: germline. Affected: yes.
Comment: Nonsense variant predicted to result in protein truncation or nonsense mediated decay in a gene for which loss of function is a known mechanism of disease; Not observed at significant frequency in large population cohorts (gnomAD); This variant is associated with the following publications: (PMID: 30317022, 25525159, 12899723, 32641076)

Blueprint Genetics
Classification: Pathogenic for ANK1-related disorders. Last evaluated: 2023-01-20. Review status: criteria provided, single submitter. Criteria: ACMG Guidelines, 2015. Collection method: clinical testing. Allele origin: germline. Affected: yes. Observed: 1 variant allele.

CeGaT Center for Human Genetics Tuebingen
Classification: Pathogenic. Last evaluated: 2022-07-01. Review status: criteria provided, single submitter. Criteria: CeGaT Center For Human Genetics Tuebingen Variant Classification Criteria Version 2. Collection method: clinical testing. Allele origin: germline. Affected: yes. Observed: 1 variant allele.
Comment: ANK1: PVS1, PM1, PS4:Supporting

ARUP Laboratories, Molecular Genetics and Genomics, ARUP Laboratories
Classification: Pathogenic for Hereditary spherocytosis type 1. Last evaluated: 2020-01-09. Review status: criteria provided, single submitter. Criteria: ARUP Molecular Germline Variant Investigation Process. Collection method: clinical testing. Allele origin: germline.

Department of Genetic, Henri Mondor Hospital, Assistance Publique des Hôpitaux de Paris
Classification: Pathogenic for Hereditary spherocytosis type 1. Last evaluated: 2018-02-27. Review status: criteria provided, single submitter. Criteria: ACMG Guidelines, 2015. Collection method: clinical testing. Allele origin: germline. Affected: yes.

Literature cited by the submitters: PubMed 8640229 (cited by Labcorp Genetics (formerly Invitae), Labcorp); PubMed 12899723 (cited by Labcorp Genetics (formerly Invitae), Labcorp and Department of Genetic, Henri Mondor Hospital, Assistance Publique des Hôpitaux de Paris).

NM_000037.4(ANK1):c.4462C>T (p.Arg1488Ter)

Genes: ANK1 (ankyrin 1; minus strand), LOC126860368 (BRD4-independent group 4 enhancer GRCh37_chr8:41541049-41542248; plus strand). Cytogenetic location: 8p11.21.
Variant type: single nucleotide variant.
Coding change: c.4462C>T on transcript NM_000037.4 (MANE Select); coding-DNA position 4462, C replaced by T.
Protein change: p.Arg1488Ter; replaces arginine 1488 with a stop codon.
Molecular consequence: nonsense.
Genome position (GRCh38, 1-based): chr8:41,684,619, G>A on the plus strand (C>T on the coding strand, the complement: ANK1 is on the minus strand). VCF-style: chr8-41684619-G-A. GRCh37 (hg19) VCF-style: chr8-41542137-G-A.
Other names: c.4585C>T, p.Arg1529Ter (NM_001142446.2); c.4462C>T, p.Arg1488Ter (NM_020475.3, NM_020476.3, NM_020477.3); c.4462C>T (NM_000037.3); short protein forms R1488*, R1529*.
Identifiers: ClinVar variation 544802 (VCV000544802.48), dbSNP rs777701149, ClinGen allele CA175923046.